The following is an entry in ClinVar:

NM_001851.6(COL9A1):c.1341+2T>C

Gene: COL9A1 (collagen type IX alpha 1 chain; minus strand). Cytogenetic location: 6q13.
Variant type: single nucleotide variant.
Coding change: c.1341+2T>C on transcript NM_001851.6 (MANE Select); the canonical splice donor site of the intron after coding-DNA position 1341, T replaced by C.
Molecular consequence: splice donor variant.
Genome position (GRCh38, 1-based): chr6:70,266,715, A>G on the plus strand (T>C on the coding strand, the complement: COL9A1 is on the minus strand). VCF-style: chr6-70266715-A-G. GRCh37 (hg19) VCF-style: chr6-70976418-A-G.
Other names: c.612+2T>C (NM_001377290.1, NM_078485.4, NM_001377289.1).
Identifiers: ClinVar variation 3726274 (VCV003726274.2).

ClinVar aggregate classification (germline): Likely pathogenic (1 of 4 stars; one submission).

Submission:

Labcorp Genetics (formerly Invitae), Labcorp
Classification: Likely pathogenic. Last evaluated: 2024-11-27. Review status: criteria provided, single submitter. Criteria: Invitae Variant Classification Sherloc (09022015). Collection method: clinical testing. Allele origin: germline.
Comment: This sequence change affects a donor splice site in intron 18 of the COL9A1 gene. It is expected to disrupt RNA splicing. Variants that disrupt the donor or acceptor splice site typically lead to a loss of protein function (PMID: 16199547), and loss-of-function variants in COL9A1 are known to be pathogenic (PMID: 16909383, 21421862). This variant is not present in population databases (gnomAD no frequency). This variant has not been reported in the literature in individuals affected with COL9A1-related conditions. Algorithms developed to predict the effect of sequence changes on RNA splicing suggest that this variant may disrupt the consensus splice site. In summary, the currently available evidence indicates that the variant is pathogenic, but additional data are needed to prove that conclusively. Therefore, this variant has been classified as Likely Pathogenic.

Literature cited by the submitters: PubMed 16199547; PubMed 16909383; PubMed 21421862.